The following is an entry in ClinVar:

NM_006031.6(PCNT):c.7988G>T (p.Arg2663Leu)

Gene: PCNT (pericentrin; plus strand). Cytogenetic location: 21q22.3.
Variant type: single nucleotide variant.
Coding change: c.7988G>T on transcript NM_006031.6 (MANE Select); coding-DNA position 7988, G replaced by T.
Protein change: p.Arg2663Leu; replaces arginine 2663 with leucine.
Molecular consequence: missense variant.
Genome position (GRCh38, 1-based): chr21:46,430,581, G>T. VCF-style: chr21-46430581-G-T. GRCh37 (hg19) VCF-style: chr21-47850495-G-T.
Other names: c.7634G>T, p.Arg2545Leu (NM_001315529.2); short protein forms R2545L, R2663L.
Identifiers: ClinVar variation 4997733 (VCV004997733.1).

ClinVar aggregate classification (germline): Uncertain significance (1 of 4 stars; one submission).

Conditions:
PCNT-related disorder. Also called: PCNT-related condition.

Submission:

PreventionGenetics, part of Exact Sciences
Classification: Uncertain significance for PCNT-related condition. Last evaluated: 2025-05-29. Review status: criteria provided, single submitter. Criteria: ACMG Guidelines, 2015. Collection method: clinical testing. Allele origin: germline.
Comment: The PCNT c.7988G>T variant is predicted to result in the amino acid substitution p.Arg2663Leu. To our knowledge, this variant has not been reported in the literature or in a large population database (gnomAD), indicating this variant is rare. A different variant impacting the same amino acid (c.7988G>A (p.Arg2663His))has been reported in an individual with intracranial aneurysms and/or subarachnoid hemorrhage (Sauvigny et al. 2020. PubMed ID: 32367296). At this time, the clinical significance of this variant is uncertain due to the absence of conclusive functional and genetic evidence.